The following is an entry in ClinVar:

NM_003803.4(MYOM1):c.2429G>A (p.Arg810Gln)

Gene: MYOM1 (myomesin 1; minus strand). Cytogenetic location: 18p11.31.
Variant type: single nucleotide variant.
Coding change: c.2429G>A on transcript NM_003803.4 (MANE Select); coding-DNA position 2429, G replaced by A.
Protein change: p.Arg810Gln; replaces arginine 810 with glutamine.
Molecular consequence: missense variant.
Genome position (GRCh38, 1-based): chr18:3,131,452, C>T on the plus strand (G>A on the coding strand, the complement: MYOM1 is on the minus strand). VCF-style: chr18-3131452-C-T. GRCh37 (hg19) VCF-style: chr18-3131450-C-T.
Other names: c.2429G>A, p.Arg810Gln (NM_019856.2); short protein forms R810Q.
Identifiers: ClinVar variation 1500517 (VCV001500517.8), dbSNP rs368529890, ClinGen allele CA8874636.
Genomic context (GRCh38, chr18:3,131,452, plus strand): 5'-TCAATAGCTTCTGAATCCTGGGAATATTCACTAAGTCCAGCTGCATTGACTGCTCTGACC[C>T]GGAAAATATAACTCTGACCAGTCACTAATCCATGACAAGTGAATCTAAAAGGAAAACAAG-3'
Protein context (NP_003794.3, residues 800-820): GLVTGQSYIF[Arg810Gln]VRAVNAAGLS

ClinVar aggregate classification (germline): Uncertain significance (1 of 4 stars; one submission).

Conditions:
Hypertrophic cardiomyopathy. Also called: HYPERTROPHIC MYOCARDIOPATHY. Identifiers: Orphanet 217569, MedGen C0007194, MeSH D002312, MONDO:0005045, HP:0001639.

Allele frequency attached by ClinVar (database versions not stated): gnomAD exomes 0.00003; ExAC 0.00004; gnomAD 0.00004 and 0.00005.
gnomAD v4.1: 55 of 1,613,472 alleles (0.0034%); highest among the groups gnomAD compares: South Asian, 0.0066%; no homozygotes.

Submission:

Labcorp Genetics (formerly Invitae), Labcorp
Classification: Uncertain significance for Hypertrophic cardiomyopathy. Last evaluated: 2025-05-22. Review status: criteria provided, single submitter. Criteria: Invitae Variant Classification Sherloc (09022015). Collection method: clinical testing. Allele origin: germline.
Comment: This sequence change replaces arginine, which is basic and polar, with glutamine, which is neutral and polar, at codon 810 of the MYOM1 protein (p.Arg810Gln). This variant is present in population databases (rs368529890, gnomAD 0.006%). This variant has not been reported in the literature in individuals affected with MYOM1-related conditions. ClinVar contains an entry for this variant (Variation ID: 1500517). Invitae Evidence Modeling of protein sequence and biophysical properties (such as structural, functional, and spatial information, amino acid conservation, physicochemical variation, residue mobility, and thermodynamic stability) has been performed for this missense variant. However, the output from this modeling did not meet the statistical confidence thresholds required to predict the impact of this variant on MYOM1 protein function. Algorithms developed to predict the effect of sequence changes on RNA splicing suggest that this variant may disrupt the consensus splice site. In summary, the available evidence is currently insufficient to determine the role of this variant in disease. Therefore, it has been classified as a Variant of Uncertain Significance.